The following is an entry in ClinVar:

NM_001267550.2(TTN):c.27618T>C (p.Tyr9206=)

Gene: TTN (titin; minus strand). Cytogenetic location: 2q31.2.
Variant type: single nucleotide variant.
Coding change: c.27618T>C on transcript NM_001267550.2 (MANE Select); coding-DNA position 27618, T replaced by C.
Protein change: p.Tyr9206=; no amino-acid change (tyrosine 9206 retained).
Molecular consequence: synonymous variant. On other transcripts: intron variant (3).
Genome position (GRCh38, 1-based): chr2:178,712,212, A>G on the plus strand (T>C on the coding strand, the complement: TTN is on the minus strand). VCF-style: chr2-178712212-A-G. GRCh37 (hg19) VCF-style: chr2-179576939-A-G.
Other names: c.26667T>C, p.Tyr8889= (NM_001256850.1); c.13282+25870T>C (NM_003319.4); c.13858+25870T>C (NM_133437.4); c.13657+25870T>C (NM_133432.3); c.23886T>C, p.Tyr7962= (NM_133378.4).
Identifiers: ClinVar variation 505372 (VCV000505372.6), dbSNP rs1457644440, ClinGen allele CA430284260.

ClinVar aggregate classification (germline): Likely benign. Review status: criteria provided, multiple submitters, no conflicts (2 of 4 stars). 2 submissions from 2 submitters: Likely benign (2). Last evaluated 2025-10-05.

Conditions:
Autosomal recessive limb-girdle muscular dystrophy type 2J (LGMDR10). Also called: MUSCULAR DYSTROPHY, LIMB-GIRDLE, AUTOSOMAL RECESSIVE 10; Limb-girdle muscular dystrophy, type 2J. Identifiers: Orphanet 140922, MedGen C1837342, MONDO:0012127, OMIM 608807.
Dilated cardiomyopathy 1G (CMD1G). Identifiers: Orphanet 154, MedGen C1858763, MONDO:0011400, OMIM 604145.

Allele frequency attached by ClinVar (database versions not stated): gnomAD exomes below 0.00001; gnomAD 0.00001; TOPMed 0.00001.
gnomAD v4.1: 3 of 1,612,926 alleles (0.00019%); highest among the groups gnomAD compares: African/African-American, 0.0027%; no homozygotes.

Submissions (2):

Labcorp Genetics (formerly Invitae), Labcorp
Classification: Likely benign for Dilated cardiomyopathy 1G; Autosomal recessive limb-girdle muscular dystrophy type 2J. Last evaluated: 2025-10-05. Review status: criteria provided, single submitter. Criteria: Invitae Variant Classification Sherloc (09022015). Collection method: clinical testing. Allele origin: germline.

Laboratory for Molecular Medicine, Mass General Brigham Personalized Medicine
Classification: Likely benign. Last evaluated: 2016-10-25. Review status: criteria provided, single submitter. Criteria: LMM Criteria. Collection method: clinical testing. Allele origin: germline. Observed: 1 variant allele.
Comment: p.Tyr7962Tyr in exon 93 of TTN: This variant is not expected to have clinical si gnificance because it does not alter an amino acid residue and is not located wi thin the splice consensus sequence. The variant was absent from large population studies.